The following is an entry in ClinVar:

ClinVar aggregate classification (germline): Pathogenic (1 of 4 stars; one submission).

Conditions:
Autoimmune lymphoproliferative syndrome type 1. Also called: AUTOIMMUNE LYMPHOPROLIFERATIVE SYNDROME, TYPE I, AUTOSOMAL DOMINANT. Identifiers: Orphanet 3261, MedGen C2717884, MONDO:0011158, OMIM 601859.

Submission:

Labcorp Genetics (formerly Invitae), Labcorp
Classification: Pathogenic for Autoimmune lymphoproliferative syndrome. Last evaluated: 2025-11-04. Review status: criteria provided, single submitter. Criteria: Invitae Variant Classification Sherloc (09022015). Collection method: clinical testing. Allele origin: germline.
Comment: This sequence change affects a donor splice site in intron 4 of the FAS gene. It is expected to disrupt RNA splicing. Variants that disrupt the donor or acceptor splice site typically lead to a loss of protein function (PMID: 16199547), and loss-of-function variants in FAS are known to be pathogenic (PMID: 10875918, 22237435). This variant is not present in population databases (gnomAD no frequency). Disruption of this splice site has been observed in individual(s) with clinical features of NLRP1-related conditions (internal data). Algorithms developed to predict the effect of sequence changes on RNA splicing suggest that this variant may disrupt the consensus splice site. For these reasons, this variant has been classified as Pathogenic.

Literature cited by the submitters: PubMed 16199547; PubMed 10875918; PubMed 22237435.

NM_000043.6(FAS):c.443+2T>C

Gene: FAS (Fas cell surface death receptor; plus strand). Cytogenetic location: 10q23.31.
Variant type: single nucleotide variant.
Coding change: c.443+2T>C on transcript NM_000043.6 (MANE Select); the canonical splice donor site of the intron after coding-DNA position 443, T replaced by C.
Molecular consequence: splice donor variant.
Genome position (GRCh38, 1-based): chr10:89,008,999, T>C. VCF-style: chr10-89008999-T-C. GRCh37 (hg19) VCF-style: chr10-90768756-T-C.
Other names: c.443+2T>C (NM_152872.4, NM_001320619.2, NM_152871.4); c.488+2T>C (NM_001410956.1).
Identifiers: ClinVar variation 4760225 (VCV004760225.1).
Genomic context (GRCh38, chr10:89,008,999, plus strand): 5'-TGTAAACCAAACTTTTTTTGTAACTCTACTGTATGTGAACACTGTGACCCTTGCACCAAG[T>C]AAGTTTTAGTCTTTCTCTGATTAAAACACTAGATATAACATGAGAGTTATCATTTTCCTA-3'